The following is an entry in ClinVar:

ClinVar aggregate classification (germline): Likely pathogenic (0 of 4 stars; one submission).
ClinVar aggregate classification (somatic clinical impact): Tier I - Strong (1 of 4 stars; one submission).

Conditions:
Lip and oral cavity carcinoma. Identifiers: MedGen C0220641, MONDO:0023644.
Embryonal rhabdomyosarcoma (ERMS). Also called: Botryoid rhabdomyosarcoma (type of ERMS); Spindle cell rhabdomyosarcomas (type of ERMS). Identifiers: Orphanet 99757, MedGen C0206656, MONDO:0009993, HP:0006743.

Submissions (2):

Institute for Genomic Medicine (IGM) Clinical Laboratory, Nationwide Children's Hospital
Classification: Tier I - Strong for Embryonal rhabdomyosarcoma. Assertion type: diagnostic. Clinical significance: supports diagnosis. Last evaluated: 2022-11-23. Review status: criteria provided, single submitter. Criteria: AMP/ASCO/CAP Guidelines, 2017. Collection method: clinical testing. Allele origin: somatic. Affected: yes.
Comment: Variant has Tier I (strong) clinical significance as a diagnostic inclusion criterion in embryonal rhabdomyosarcoma, based on the following evidence: 1) Documented in one or more cancer databases (e.g., St. Jude Pecan, COSMIC, CIViC, OncoKB). 2) Diagnostic for a specific tumor type/classification based on well-powered studies with expert-level consensus (Evidence Level B).

Institute of Medical Sciences, Banaras Hindu University
Classification: Likely pathogenic for Lip and oral cavity carcinoma. Last evaluated: 2019-04-30. Review status: no assertion criteria provided. Collection method: research. Allele origin: somatic. Affected: yes.

Literature cited by the submitters: PubMed 31775759 (cited by Institute of Medical Sciences, Banaras Hindu University).

NM_000077.5(CDKN2A):c.233_234del (p.Leu78fs)

Gene: CDKN2A (cyclin dependent kinase inhibitor 2A; minus strand). Cytogenetic location: 9p21.3.
Variant type: Microsatellite.
Coding change: c.233_234del on transcript NM_000077.5 (MANE Select); coding-DNA positions 233 to 234, 2 bases deleted (TC; older notation c.233_234delTC).
Protein change: p.Leu78fs; shifts the reading frame from leucine 78.
Molecular consequence: frameshift variant. On other transcripts: 3 prime UTR variant (1).
Genome position (GRCh38, 1-based): chr9:21,971,125-21,971,126, GA deleted on the plus strand (TC on the coding strand, the reverse complement: CDKN2A is on the minus strand); deleting any 2 consecutive bases within chr9:21,971,125-21,971,129 gives the same sequence; the c. name uses the placement nearest the transcript's 3' end. VCF-style (leftmost placement, unchanged base first): chr9-21971124-TGA-T. GRCh37 (hg19) VCF-style: chr9-21971123-TGA-T.
Other names: c.233_234delTC (NM_000077.5); c.230_231CT[1], p.Leu78Hisfs (NM_000077.6); c.233_234del, p.Leu78fs (NM_001195132.2); c.80_81del, p.Leu27fs (NM_001363763.2); c.276_277del, p.His93fs (NM_058195.4); c.*154TC[1] (NM_058197.5); short protein forms H93fs, L27fs, L78fs.
Identifiers: ClinVar variation 977782 (VCV000977782.2), dbSNP rs1819713922, ClinGen allele CA645552504.
Genomic context (GRCh38, chr9:21,971,124, plus strand): 5'-GGTGCAGCACCACCAGCGTGTCCAGGAAGCCCTCCCGGGCAGCGTCGTGCACGGGTCGGG[TGA>T]GAGTGGCGGGGTCGGCGCAGTTGGGCTCCGCGCCGTGGAGCAGCAGCAGCTCCGCCACTC-3'